The following is an entry in ClinVar:

NM_000531.6(OTC):c.505C>T (p.Pro169Ser)

Gene: OTC (ornithine transcarbamylase; plus strand). Cytogenetic location: Xp11.4.
Variant type: single nucleotide variant.
Coding change: c.505C>T on transcript NM_000531.6 (MANE Select); coding-DNA position 505, C replaced by T.
Protein change: p.Pro169Ser; replaces proline 169 with serine.
Molecular consequence: missense variant.
Genome position (GRCh38, 1-based): chrX:38,401,393, C>T. VCF-style: chrX-38401393-C-T. GRCh37 (hg19) VCF-style: chrX-38260646-C-T.
Other names: short protein forms P169S.
Identifiers: ClinVar variation 1066964 (VCV001066964.9), dbSNP rs72556277, ClinGen allele CA412723832.

ClinVar aggregate classification (germline): Pathogenic (1 of 4 stars; one submission).

Conditions:
Ornithine carbamoyltransferase deficiency (OTCD). Also called: ORNITHINE TRANSCARBAMYLASE DEFICIENCY; ORNITHINE TRANSCARBAMYLASE DEFICIENCY, HYPERAMMONEMIA DUE TO; OTC DEFICIENCY; Ornithine Carbamoyltransferase Deficiency Disease. Identifiers: Orphanet 664, MedGen C0268542, MONDO:0010703, OMIM 311250.

Submission:

Labcorp Genetics (formerly Invitae), Labcorp
Classification: Pathogenic for Ornithine carbamoyltransferase deficiency. Last evaluated: 2020-11-11. Review status: criteria provided, single submitter. Criteria: Invitae Variant Classification Sherloc (09022015). Collection method: clinical testing. Allele origin: germline.
Comment: Advanced modeling of protein sequence and biophysical properties (such as structural, functional, and spatial information, amino acid conservation, physicochemical variation, residue mobility, and thermodynamic stability) performed at Invitae indicates that this missense variant is expected to disrupt OTC protein function. This variant has been observed in individual(s) with ornithine transcarbamylase deficiency (Invitae). In at least one individual the variant was observed to be de novo. This variant is not present in population databases (ExAC no frequency). This sequence change replaces proline with serine at codon 169 of the OTC protein (p.Pro169Ser). The proline residue is highly conserved and there is a moderate physicochemical difference between proline and serine. This variant disrupts the p.Pro169 amino acid residue in OTC. Other variant(s) that disrupt this residue have been determined to be pathogenic (PMID: 11793468, 11117428, 26059767). This suggests that this residue is clinically significant, and that variants that disrupt this residue are likely to be disease-causing. For these reasons, this variant has been classified as Pathogenic.

Literature cited by the submitters: PubMed 11793468; PubMed 11117428; PubMed 26059767.